The following is an entry in ClinVar:

ClinVar aggregate classification (germline): Uncertain significance (1 of 4 stars; one submission).

Submission:

GeneDx
Classification: Uncertain significance. Last evaluated: 2019-08-11. Review status: criteria provided, single submitter. Criteria: GeneDx Variant Classification Process June 2021. Collection method: clinical testing. Allele origin: germline. Affected: yes.
Comment: Not observed in large population cohorts (Lek et al., 2016); Canonical splice site variant in a gene for which loss-of-function is not a known mechanism of disease; Has not been previously published as pathogenic or benign to our knowledge

NM_007126.5(VCP):c.709-2A>G

Gene: VCP (valosin containing protein; minus strand). Cytogenetic location: 9p13.3.
Variant type: single nucleotide variant.
Coding change: c.709-2A>G on transcript NM_007126.5 (MANE Select); the canonical splice acceptor site of the intron before coding-DNA position 709, A replaced by G.
Molecular consequence: splice acceptor variant.
Genome position (GRCh38, 1-based): chr9:35,063,082, T>C on the plus strand (A>G on the coding strand, the complement: VCP is on the minus strand). VCF-style: chr9-35063082-T-C. GRCh37 (hg19) VCF-style: chr9-35063079-T-C.
Other names: c.574-2A>G (NM_001354927.2, NM_001354928.2).
Identifiers: ClinVar variation 1303410 (VCV001303410.2), dbSNP rs2131033737, ClinGen allele CA373286570.
Genomic context (GRCh38, chr9:35,063,082, plus strand): 5'-CGAGCAATCAGGGTCTTTCCTGTTCCAGGAGGTCCGTAAAGCAGGATTCCTCTAGGAGGC[T>C]GTGGACCAATGCAGAGTGTGATTAGGTTCCCACCTTCTCCCAAACCCTAAAATGGCTTGA-3'